The following is an entry in ClinVar:

ClinVar aggregate classification (germline): Uncertain significance (1 of 4 stars; one submission).

Conditions:
Primary ciliary dyskinesia. Also called: Ciliary dyskinesia. Identifiers: Orphanet 244, MedGen C0008780, MONDO:0016575, HP:0012265.

Submission:

Labcorp Genetics (formerly Invitae), Labcorp
Classification: Uncertain significance for Primary ciliary dyskinesia. Last evaluated: 2022-08-12. Review status: criteria provided, single submitter. Criteria: Invitae Variant Classification Sherloc (09022015). Collection method: clinical testing. Allele origin: germline.
Comment: In summary, the available evidence is currently insufficient to determine the role of this variant in disease. Therefore, it has been classified as a Variant of Uncertain Significance. Algorithms developed to predict the effect of missense changes on protein structure and function (SIFT, PolyPhen-2, Align-GVGD) all suggest that this variant is likely to be disruptive. This variant has not been reported in the literature in individuals affected with DNAH5-related conditions. This variant is not present in population databases (gnomAD no frequency). This sequence change replaces proline, which is neutral and non-polar, with leucine, which is neutral and non-polar, at codon 3658 of the DNAH5 protein (p.Pro3658Leu).

NM_001369.3(DNAH5):c.10973C>T (p.Pro3658Leu)

Gene: DNAH5 (dynein axonemal heavy chain 5; minus strand). Cytogenetic location: 5p15.2.
Variant type: single nucleotide variant.
Coding change: c.10973C>T on transcript NM_001369.3 (MANE Select); coding-DNA position 10973, C replaced by T.
Protein change: p.Pro3658Leu; replaces proline 3658 with leucine.
Molecular consequence: missense variant.
Genome position (GRCh38, 1-based): chr5:13,752,189, G>A on the plus strand (C>T on the coding strand, the complement: DNAH5 is on the minus strand). VCF-style: chr5-13752189-G-A. GRCh37 (hg19) VCF-style: chr5-13752298-G-A.
Other names: short protein forms P3658L.
Identifiers: ClinVar variation 2069169 (VCV002069169.4), dbSNP rs2546611634, ClinGen allele CA359189953.